The following is an entry in ClinVar:

ClinVar aggregate classification (germline): Uncertain significance (1 of 4 stars; one submission).

gnomAD v4.1: 2 of 1,614,106 alleles (0.00012%); highest among the groups gnomAD compares: Non-Finnish European, 0.00017%; no homozygotes.

Submission:

GeneDx
Classification: Uncertain significance. Last evaluated: 2026-01-28. Review status: criteria provided, single submitter. Criteria: GeneDx Variant Classification Process June 2021. Collection method: clinical testing. Allele origin: germline.
Comment: Not observed at significant frequency in large population cohorts (gnomAD); In silico analysis supports that this missense variant has a deleterious effect on protein structure/function; Has not been previously published as pathogenic or benign to our knowledge

NM_170606.3(KMT2C):c.11505C>G (p.Asn3835Lys)

Gene: KMT2C (lysine methyltransferase 2C; minus strand). Cytogenetic location: 7q36.1.
Variant type: single nucleotide variant.
Coding change: c.11505C>G on transcript NM_170606.3 (MANE Select); coding-DNA position 11505, C replaced by G.
Protein change: p.Asn3835Lys; replaces asparagine 3835 with lysine.
Molecular consequence: missense variant.
Genome position (GRCh38, 1-based): chr7:152,159,028, G>C on the plus strand (C>G on the coding strand, the complement: KMT2C is on the minus strand). VCF-style: chr7-152159028-G-C. GRCh37 (hg19) VCF-style: chr7-151856113-G-C.
Other names: short protein forms N3835K.
Identifiers: ClinVar variation 4975773 (VCV004975773.1).
Genomic context (GRCh38, chr7:152,159,028, plus strand): 5'-CTGAGTCCGTTTGCTTCGCTGTTTCTTGGTTTCACTTCCTCCATCTGTTTTTGGCAACTG[G>C]TTGCCACATCCAAAACCACCTTGCATTTGAGCCCCCAAAGTTTGCTAATGTAATTGGAAA-3'
Protein context (NP_733751.2, residues 3825-3845): AQMQGGFGCG[Asn3835Lys]QLPKTDGGSE